The following continues an entry in ClinVar:

NM_003119.4(SPG7):c.1045G>A (p.Gly349Ser)

Gene: SPG7. ClinVar aggregate classification (germline): Pathogenic/Likely pathogenic. Pathogenic (32); Likely pathogenic (7).

Submissions 27 to 45 of 45:

Molecular Genetics, Royal Melbourne Hospital
Classification: Pathogenic for Hereditary spastic paraplegia 7. Last evaluated: 2020-05-28. Review status: criteria provided, single submitter. Criteria: ACMG Guidelines, 2015. Collection method: clinical testing. Allele origin: germline. Affected: yes.
Comment: This sequence change is predicted to replace glycine with serine at codon 349 of the SPG7 protein (p.Gly349Ser). The glycine residue is highly conserved (100 vertebrates, UCSC), and located in the AAA ATPase domain (PMID: 19841671). There is a small physicochemical difference between glycine and serine. The variant is present in a large population cohort at a frequency of 0.08% (rs141659620, 232/281,994 alleles, 0 homozygotes in gnomAD v2.1). The variant has been identified in multiple individuals with a second pathogenic allele with phenotypes including pure/complex hereditary spastic paraplegia and spastic ataxia, and segregates with disease in at least two families (PM3_VeryStrong, PP1_Moderate; PMID: 20186691, 21623769, 23812641, 26626314, 30533525). Additionally, the missense change impairs proteolytic activity in a in vitro yeast complementation assay (PS3_Supporting; PMID: 20186691). Multiple lines of computational evidence predict a deleterious effect for the missense substitution (PP3; 7/7 algorithms). Based on the classification scheme RMH ACMG Guidelines v1.2.1, this variant is classified as PATHOGENIC. Following criteria are met: PM3_VeryStrong, PP1_Moderate, PS3_Supporting, PP3.

Genome Diagnostics Laboratory, The Hospital for Sick Children
Classification: Likely pathogenic for Hereditary spastic paraplegia. Last evaluated: 2019-02-01. Review status: criteria provided, single submitter. Criteria: ACMG Guidelines, 2015. Collection method: clinical testing. Allele origin: germline. Affected: yes.

Fulgent Genetics
Classification: Pathogenic for Hereditary spastic paraplegia 7. Last evaluated: 2018-10-31. Review status: criteria provided, single submitter. Criteria: ACMG Guidelines, 2015. Collection method: clinical testing. Allele origin: unknown.

Eurofins Ntd Llc (ga)
Classification: Likely pathogenic. Last evaluated: 2018-05-22. Review status: criteria provided, single submitter. Criteria: EGL ClinVar v180209 classification definitions. Collection method: clinical testing. Allele origin: germline. Observed: 1 variant allele, 1 heterozygote.

Illumina Laboratory Services, Illumina
Classification: Pathogenic for Hereditary spastic paraplegia 7. Last evaluated: 2017-04-27. Review status: criteria provided, single submitter. Criteria: ICSL Variant Classification Criteria 09 May 2019. Collection method: clinical testing. Allele origin: germline.
Comment: The SPG7 c.1045G>A (p.Gly349Ser) missense variant is reported in 11 studies in which it is found in at least 25 patients with spastic paraplegia, including in 19 patients in a compound heterozygous state and in six patients in a heterozygous state (Brugman et al. 2008; Bonn et al. 2010; Schlipf et al. 2011; Klebe et al. 2012; Van Gassen et al. 2012; Kumar et al. 2013; Roxburgh et al. 2013; Yoon et al. 2013; Fogel et al. 2014; Marcotulli et al. 2014; Choquet et al. 2016). The p.Gly349Ser variant was reported in seven of 1104 control chromosomes, and is found at a frequency of 0.00174 in the European American population of the Exome Sequencing Project. The Gly349 residue is conserved across species. Functional studies in yeast demonstrated that the variant results in impaired enzyme activity (Bonn et al. 2010). Based on the evidence, the p.Gly349Ser variant is classified as pathogenic for autosomal recessive spastic paraplegia. This variant was observed by ICSL as part of a predisposition screen in an ostensibly healthy population.

Genome Diagnostics Laboratory, University Medical Center Utrecht
Classification: Pathogenic for Hereditary spastic paraplegia 7. Last evaluated: 2016-04-08. Review status: criteria provided, single submitter. Criteria: ACGS Guidelines, 2013. Collection method: clinical testing. Allele origin: germline. Affected: yes. Study: VKGL Data-share Consensus.

Genetic Services Laboratory, University of Chicago
Classification: Likely pathogenic for Spastic paraplegia 7, autosomal recessive. Last evaluated: 2015-09-02. Review status: criteria provided, single submitter. Criteria: ACMG Guidelines, 2015. Collection method: clinical testing. Allele origin: germline. Affected: yes.

Knight Diagnostic Laboratories, Oregon Health and Sciences University
Classification: Pathogenic for Spastic paraplegia 7. Last evaluated: 2014-10-20. Review status: criteria provided, single submitter. Criteria: ACMG Guidelines, 2007. Collection method: clinical testing. Allele origin: germline. Inheritance: Autosomal recessive inheritance. Affected: no.

Genomics England Pilot Project, Genomics England
Classification: Likely pathogenic for Hereditary spastic paraplegia 7. Review status: criteria provided, single submitter. Criteria: ACGS Guidelines, 2016. Collection method: clinical testing. Allele origin: germline. Affected: yes.

Institute of Human Genetics, University Hospital of Duesseldorf
Classification: Pathogenic for Hereditary spastic paraplegia 7. Review status: criteria provided, single submitter. Criteria: ACMG Guidelines, 2015. Collection method: not provided. Allele origin: germline. Inheritance: Autosomal recessive inheritance. Affected: yes.

Juno Genomics, Hangzhou Juno Genomics, Inc
Classification: Pathogenic for Hereditary spastic paraplegia 7. Review status: criteria provided, single submitter. Criteria: ACMG Guidelines, 2015. Collection method: clinical testing. Allele origin: germline.
Comment: Absent from controls (or at extremely low frequency if recessive) in Genome Aggregation Database.;Multiple lines of computational evidence support a deleterious effect on the gene or gene product.;For recessive disorders, detected in trans with a pathogenic variant.

Neurogenetics of motion laboratory, Montreal Neurological Institute
Classification: Pathogenic for Spastic paraplegia 7. Review status: criteria provided, single submitter. Criteria: ACMG Guidelines, 2015. Collection method: case-control. Allele origin: germline. Affected: yes. Observed: 4 compound heterozygotes. Clinical features observed: Ataxia, Spasticity, Dysarthria, Nystagmus. Study: Care4Rare - Neurogenetics of motion laboratory. Segregation with disease observed.

Paris Brain Institute, Inserm - ICM
Classification: Pathogenic for Hereditary spastic paraplegia 7. Review status: criteria provided, single submitter. Criteria: ACMG Guidelines, 2015. Collection method: clinical testing. Allele origin: unknown. Affected: yes. Observed: 4 variant alleles.

PreventionGenetics, part of Exact Sciences
Classification: Pathogenic for SPG7-related condition. Last evaluated: 2024-07-23. Review status: no assertion criteria provided. Collection method: clinical testing. Allele origin: germline. Not counted in ClinVar's aggregate classification.
Comment: The SPG7 c.1045G>A variant is predicted to result in the amino acid substitution p.Gly349Ser. This variant has been reported in the compound heterozygous state to be causative for autosomal recessive spastic paraplegia (Bonn et al. 2010. PubMed ID: 20186691; Schlipf et al. 2011. PubMed ID: 21623769; Klebe et al. 2012. PubMed ID: 23065789; Roxburgh et al. 2012. PubMed ID: 23269439; van Gassen et al. 2012. PubMed ID: 22964162; Choquet et al. 2015. PubMed ID: 26626314). It has also been reported in the heterozygous state alone in at least two patients affected with spastic paraplegia; however, other individuals who harbored this variant in the heterozygous state alone were asymptomatic (Brugman et al. 2008. PubMed ID: 18799786; Fogel et al. 2014. PubMed ID: 25133958; Bonn et al. 2010. PubMed ID: 20186691; Schlipf et al. 2011. PubMed ID: 21623769). Functional studies have shown that the p.Gly349Ser results in impaired enzyme activity in yeast cells (Bonn et al. 2010. PubMed ID: 20186691). This variant is reported in 0.16% of alleles in individuals of European (Non-Finnish) descent in gnomAD, which is likely too common to be responsible for an early-onset, autosomal dominant form of disease. Taken together, this variant is classified as pathogenic.

Zotz-Klimas Genetics Lab, MVZ Zotz Klimas
Classification: Pathogenic for Hereditary spastic paraplegia 7. Last evaluated: 2023-11-02. Review status: no assertion criteria provided. Collection method: clinical testing. Allele origin: germline. Affected: yes. Not counted in ClinVar's aggregate classification.

OMIM
Classification: Pathogenic for SPASTIC PARAPLEGIA 7, AUTOSOMAL RECESSIVE, WITH CEREBELLAR ATAXIA. Last evaluated: 2010-05-01. Review status: no assertion criteria provided. Collection method: literature only. Allele origin: germline. Not counted in ClinVar's aggregate classification.

Clinical Genetics DNA and cytogenetics Diagnostics Lab, Erasmus MC, Erasmus Medical Center
Classification: Pathogenic. Review status: no assertion criteria provided. Collection method: clinical testing. Allele origin: germline. Affected: yes. Study: VKGL Data-share Consensus. Not counted in ClinVar's aggregate classification.

Diagnostic Laboratory, Department of Genetics, University Medical Center Groningen
Classification: Pathogenic for Hereditary spastic paraplegia 7. Review status: no assertion criteria provided. Collection method: clinical testing. Allele origin: germline. Affected: yes. Study: VKGL Data-share Consensus. Not counted in ClinVar's aggregate classification.

Laboratory of Diagnostic Genome Analysis, Leiden University Medical Center (LUMC)
Classification: Pathogenic. Review status: no assertion criteria provided. Collection method: clinical testing. Allele origin: germline. Affected: yes. Study: VKGL Data-share Consensus. Not counted in ClinVar's aggregate classification.

Literature cited by the submitters: PubMed 18799786 (cited by 6 submitters); PubMed 20186691 (cited by 12 submitters); PubMed 21623769 (cited by 6 submitters); PubMed 22964162 (cited by 7 submitters); PubMed 23065789 (cited by 5 submitters); PubMed 23269439 (cited by 5 submitters); PubMed 23733235 (cited by 5 submitters); PubMed 23812641 (cited by 7 submitters); PubMed 25034272 (cited by 5 submitters); PubMed 25133958 (cited by 7 submitters); PubMed 26626314 (cited by 9 submitters); PubMed 27016405 (cited by 3 submitters); PubMed 2779008 (cited by Mayo Clinic Laboratories, Mayo Clinic); PubMed 29431110 (cited by 3 submitters); PubMed 30533525 (cited by 5 submitters); PubMed 30747022 (cited by 4 submitters); PubMed 31980526 (cited by 3 submitters); PubMed 32270516 (cited by 3 submitters); PubMed 32447552 (cited by 3 submitters); PubMed 33774748 (cited by Mayo Clinic Laboratories, Mayo Clinic); PubMed 34531397 (cited by Mayo Clinic Laboratories, Mayo Clinic); PubMed 37152446 (cited by Variantyx, Inc. and Athena Diagnostics); PubMed 23723235 (cited by Variantyx, Inc.); PubMed 19841671 (cited by Variantyx, Inc. and Molecular Genetics, Royal Melbourne Hospital); PubMed 35959404 (cited by Athena Diagnostics and Victorian Clinical Genetics Services, Murdoch Childrens Research Institute); PubMed 33841295 (cited by Athena Diagnostics and Institute of Human Genetics, Univ. Regensburg, Univ. Regensburg); PubMed 32816195 (cited by Athena Diagnostics and Institute of Human Genetics, Univ. Regensburg, Univ. Regensburg); PubMed 33157434 (cited by Athena Diagnostics and Institute of Human Genetics, Univ. Regensburg, Univ. Regensburg); PubMed 38549004 (cited by Athena Diagnostics); PubMed 27790088 (cited by 3 submitters); PubMed 31854126 (cited by Victorian Clinical Genetics Services, Murdoch Childrens Research Institute); PubMed 32548275 (cited by Victorian Clinical Genetics Services, Murdoch Childrens Research Institute); PubMed 31589614 (cited by Institute of Human Genetics, Univ. Regensburg, Univ. Regensburg); PubMed 34662886 (cited by Institute of Human Genetics, Univ. Regensburg, Univ. Regensburg); PubMed 33300680 (cited by Institute of Human Genetics, Univ. Regensburg, Univ. Regensburg); PubMed 34758253 (cited by Institute of Human Genetics, Univ. Regensburg, Univ. Regensburg); PubMed 15507752 (cited by Dasa); PubMed 17384005 (cited by Dasa); PubMed 26244503 (cited by Dasa); PubMed 25850353 (cited by Dasa); PubMed 25277871 (cited by Dasa); PubMed 24401005 (cited by Dasa); PubMed 23953397 (cited by Dasa); PubMed 32153640 (cited by Dasa); PubMed 11478530 (cited by Dasa); PubMed 26365338 (cited by Dasa).